The following is an entry in ClinVar:

ClinVar aggregate classification (germline): Benign/Likely benign. Review status: criteria provided, multiple submitters, no conflicts (2 of 4 stars). 7 submissions from 7 submitters: Benign (1); Likely benign (6). Last evaluated 2024-12-30.

Conditions:
Hereditary nonpolyposis colorectal neoplasms. Identifiers: MedGen C0009405, MeSH D003123.
Lynch syndrome. Identifiers: Orphanet 144, MedGen C4552100, MONDO:0005835. Disease mechanism: loss of function.
Lynch syndrome 5 (LYNCH5). Also called: Colorectal cancer, hereditary nonpolyposis, type 5; Hereditary non-polyposis colorectal cancer, type 5. Identifiers: Orphanet 144, MedGen C1833477, MONDO:0013710, OMIM 614350. Disease mechanism: loss of function.
Hereditary cancer-predisposing syndrome. Also called: Tumor predisposition; Hereditary neoplastic syndrome; Neoplastic Syndromes, Hereditary; Hereditary Cancer Syndrome. Identifiers: Orphanet 140162, MedGen C0027672, MeSH D009386, MONDO:0015356.

gnomAD v4.1: 1 of 1,614,114 alleles (0.000062%); highest among the groups gnomAD compares: Non-Finnish European, 0.000085%; no homozygotes.

Submissions (7):

Myriad Genetics, Inc.
Classification: Benign for Lynch syndrome 5. Last evaluated: 2024-12-30. Review status: criteria provided, single submitter. Criteria: Myriad Autosomal Dominant, Autosomal Recessive and X-Linked Classification Criteria (2023). Collection method: clinical testing. Allele origin: unknown.
Comment: This variant is considered benign. This variant is a silent/synonymous amino acid change and it is not expected to impact splicing.

Labcorp Genetics (formerly Invitae), Labcorp
Classification: Likely benign for Hereditary nonpolyposis colorectal neoplasms. Last evaluated: 2024-07-20. Review status: criteria provided, single submitter. Criteria: Invitae Variant Classification Sherloc (09022015). Collection method: clinical testing. Allele origin: germline.

All of Us Research Program, National Institutes of Health
Classification: Likely benign for Lynch syndrome. Last evaluated: 2023-12-18. Review status: criteria provided, single submitter. Criteria: ACMG Guidelines, 2015. Collection method: clinical testing. Allele origin: germline. Inheritance: Autosomal dominant inheritance. Observed: 2 variant alleles, 2 heterozygotes.
Comment: This study involves interpretation of variants in research participants for the purpose of population health screening. Participant phenotype was not available at the time of variant classification. Additional details can be found in publication PMID: 35346344, PMCID: PMC8962531

Ambry Genetics
Classification: Likely benign for Hereditary cancer-predisposing syndrome. Last evaluated: 2022-12-26. Review status: criteria provided, single submitter. Criteria: Ambry Variant Classification Scheme 2023. Collection method: clinical testing. Allele origin: germline.

Color Diagnostics, LLC DBA Color Health
Classification: Likely benign for Hereditary cancer-predisposing syndrome. Last evaluated: 2020-01-21. Review status: criteria provided, single submitter. Criteria: ACMG Guidelines, 2015. Collection method: clinical testing. Allele origin: germline.

Department of Pathology and Laboratory Medicine, Sinai Health System
Classification: Likely benign for Lynch syndrome 5. Last evaluated: 2019-10-10. Review status: criteria provided, single submitter. Criteria: ACMG Guidelines, 2015. Collection method: clinical testing. Allele origin: germline. Affected: yes.

GeneDx
Classification: Likely benign. Last evaluated: 2015-12-20. Review status: criteria provided, single submitter. Criteria: GeneDx Variant Classification (06012015). Collection method: clinical testing. Allele origin: germline. Affected: yes.
Comment: This variant is considered likely benign or benign based on one or more of the following criteria: it is a conservative change, it occurs at a poorly conserved position in the protein, it is predicted to be benign by multiple in silico algorithms, and/or has population frequency not consistent with disease.

NM_000179.3(MSH6):c.1989T>G (p.Thr663=)

Gene: MSH6 (mutS homolog 6; plus strand). Cytogenetic location: 2p16.3.
Variant type: single nucleotide variant.
Coding change: c.1989T>G on transcript NM_000179.3 (MANE Select); coding-DNA position 1989, T replaced by G.
Protein change: p.Thr663=; no amino-acid change (threonine 663 retained).
Molecular consequence: synonymous variant.
Genome position (GRCh38, 1-based): chr2:47,799,972, T>G. VCF-style: chr2-47799972-T-G. GRCh37 (hg19) VCF-style: chr2-48027111-T-G.
Other names: c.1599T>G, p.Thr533= (NM_001281492.2); c.1083T>G, p.Thr361= (NM_001281493.2, NM_001281494.2).
Identifiers: ClinVar variation 381499 (VCV000381499.17), dbSNP rs1057520324, ClinGen allele CA16604291.